The following is an entry in ClinVar:

ClinVar aggregate classification (germline): Pathogenic (1 of 4 stars; one submission).

Conditions:
Progressive sclerosing poliodystrophy (MTDPS4A). Also called: ALPERS PROGRESSIVE INFANTILE POLIODYSTROPHY; NEURONAL DEGENERATION OF CHILDHOOD WITH LIVER DISEASE, PROGRESSIVE; Alpers Syndrome; ALPERS DIFFUSE DEGENERATION OF CEREBRAL GRAY MATTER WITH HEPATIC CIRRHOSIS; Alpers-Huttenlocher Syndrome; Mitochondrial DNA depletion syndrome 4A (Alpers type). Identifiers: Orphanet 726, MedGen C0205710, MONDO:0008758, OMIM 203700.

gnomAD v4.1: 1 of 1,613,514 alleles (0.000062%); highest among the groups gnomAD compares: Non-Finnish European, 0.000085%; no homozygotes.

Submission:

Labcorp Genetics (formerly Invitae), Labcorp
Classification: Pathogenic for Progressive sclerosing poliodystrophy. Last evaluated: 2022-11-03. Review status: criteria provided, single submitter. Criteria: Invitae Variant Classification Sherloc (09022015). Collection method: clinical testing. Allele origin: germline.
Comment: This variant is not present in population databases (gnomAD no frequency). For these reasons, this variant has been classified as Pathogenic. Algorithms developed to predict the effect of sequence changes on RNA splicing suggest that this variant may create or strengthen a splice site. ClinVar contains an entry for this variant (Variation ID: 1421810). This variant has not been reported in the literature in individuals affected with POLG-related conditions. This sequence change creates a premature translational stop signal (p.Gln595*) in the POLG gene. It is expected to result in an absent or disrupted protein product. Loss-of-function variants in POLG are known to be pathogenic (PMID: 18546365).

Literature cited by the submitters: PubMed 18546365.

NM_002693.3(POLG):c.1783C>T (p.Gln595Ter)

Gene: POLG (DNA polymerase gamma, catalytic subunit; minus strand). Cytogenetic location: 15q26.1.
Variant type: single nucleotide variant.
Coding change: c.1783C>T on transcript NM_002693.3 (MANE Select); coding-DNA position 1783, C replaced by T.
Protein change: p.Gln595Ter; replaces glutamine 595 with a stop codon.
Molecular consequence: nonsense.
Genome position (GRCh38, 1-based): chr15:89,325,616, G>A on the plus strand (C>T on the coding strand, the complement: POLG is on the minus strand). VCF-style: chr15-89325616-G-A. GRCh37 (hg19) VCF-style: chr15-89868847-G-A.
Other names: c.1783C>T, p.Gln595Ter (NM_001126131.2); short protein forms Q595*.
Identifiers: ClinVar variation 1421810 (VCV001421810.6), dbSNP rs2152065937, ClinGen allele CA393759373.